The following is an entry in ClinVar:

NM_006231.4(POLE):c.6659T>C (p.Val2220Ala)

Gene: POLE (DNA polymerase epsilon, catalytic subunit; minus strand). Cytogenetic location: 12q24.33.
Variant type: single nucleotide variant.
Coding change: c.6659T>C on transcript NM_006231.4 (MANE Select); coding-DNA position 6659, T replaced by C.
Protein change: p.Val2220Ala; replaces valine 2220 with alanine.
Molecular consequence: missense variant.
Genome position (GRCh38, 1-based): chr12:132,624,993, A>G on the plus strand (T>C on the coding strand, the complement: POLE is on the minus strand). VCF-style: chr12-132624993-A-G. GRCh37 (hg19) VCF-style: chr12-133201579-A-G.
Other names: c.6659T>C (NM_006231.2); short protein forms V2220A.
Identifiers: ClinVar variation 1465892 (VCV001465892.9), dbSNP rs1593694245, ClinGen allele CA387366290.
Genomic context (GRCh38, chr12:132,624,993, plus strand): 5'-CCCGCGCAGCTGCAGTACACAGGCATGCTGGTCTCCTTCACCCCGCGGCACTTCAGGCAG[A>G]CCTGAAAGGGAGCAGCCCCGATGGGCGCCAGCCCTCCCGCGCTGGCCAGACCTGCCTGCT-3'
Protein context (NP_006222.2, residues 2210-2230): KLMAFTLQDL[Val2220Ala]CLKCRGVKET

ClinVar aggregate classification (germline): Uncertain significance. Review status: criteria provided, multiple submitters, no conflicts (2 of 4 stars). 2 submissions from 2 submitters: Uncertain significance (2). Last evaluated 2025-06-06.

Conditions:
Hereditary cancer-predisposing syndrome. Also called: Tumor predisposition; Hereditary neoplastic syndrome; Hereditary Cancer Syndrome; Neoplastic Syndromes, Hereditary. Identifiers: Orphanet 140162, MedGen C0027672, MeSH D009386, MONDO:0015356.

Submissions (2):

Ambry Genetics
Classification: Uncertain significance for Hereditary cancer-predisposing syndrome. Last evaluated: 2025-06-06. Review status: criteria provided, single submitter. Criteria: Ambry Variant Classification Scheme 2023. Collection method: clinical testing. Allele origin: germline.
Comment: The p.V2220A variant (also known as c.6659T>C), located in coding exon 48 of the POLE gene, results from a T to C substitution at nucleotide position 6659. The valine at codon 2220 is replaced by alanine, an amino acid with similar properties. This amino acid position is conserved. In addition, this alteration is predicted to be tolerated by in silico analysis. Based on the available evidence, the clinical significance of this variant remains unclear.

Labcorp Genetics (formerly Invitae), Labcorp
Classification: Uncertain significance. Last evaluated: 2024-03-26. Review status: criteria provided, single submitter. Criteria: Invitae Variant Classification Sherloc (09022015). Collection method: clinical testing. Allele origin: germline.
Comment: This sequence change replaces valine, which is neutral and non-polar, with alanine, which is neutral and non-polar, at codon 2220 of the POLE protein (p.Val2220Ala). This variant is not present in population databases (gnomAD no frequency). This variant has not been reported in the literature in individuals affected with POLE-related conditions. ClinVar contains an entry for this variant (Variation ID: 1465892). Algorithms developed to predict the effect of missense changes on protein structure and function output the following: SIFT: "Not Available"; PolyPhen-2: "Benign"; Align-GVGD: "Not Available". The alanine amino acid residue is found in multiple mammalian species, which suggests that this missense change does not adversely affect protein function. In summary, the available evidence is currently insufficient to determine the role of this variant in disease. Therefore, it has been classified as a Variant of Uncertain Significance.